The following is an entry in ClinVar:

NM_003922.4(HERC1):c.205del (p.Ser69fs)

Gene: HERC1 (HECT and RLD domain containing E3 ubiquitin protein ligase family member 1; minus strand). Cytogenetic location: 15q22.31.
Variant type: Deletion.
Coding change: c.205del on transcript NM_003922.4 (MANE Select); coding-DNA position 205, one base deleted (T; older notation c.205delT).
Protein change: p.Ser69fs; shifts the reading frame from serine 69.
Molecular consequence: frameshift variant.
Genome position (GRCh38, 1-based): chr15:63,775,419, A deleted on the plus strand (T on the coding strand, the reverse complement: HERC1 is on the minus strand). VCF-style (leftmost placement, unchanged base first): chr15-63775418-GA-G. GRCh37 (hg19) VCF-style: chr15-64067617-GA-G.
Other names: short protein forms S69fs.
Identifiers: ClinVar variation 1972510 (VCV001972510.5), dbSNP rs2538128683, ClinGen allele CA2580089850.
Genomic context (GRCh38, chr15:63,775,418, plus strand): 5'-AATGCTAGCTGGCTGCTAAGAAGGGCATCCAAATAGTGGTCCTGCTCATCACTTGAAAGA[GA>G]CTCACGTTCAAAGTCTGGCAACTGTGGTCCTTTGAGGCATAAAACTTGTTGGGGCAAAGG-3'

ClinVar aggregate classification (germline): Pathogenic (1 of 4 stars; one submission).

Submission:

Labcorp Genetics (formerly Invitae), Labcorp
Classification: Pathogenic. Last evaluated: 2022-08-10. Review status: criteria provided, single submitter. Criteria: Invitae Variant Classification Sherloc (09022015). Collection method: clinical testing. Allele origin: germline.
Comment: For these reasons, this variant has been classified as Pathogenic. This variant has not been reported in the literature in individuals affected with HERC1-related conditions. This variant is not present in population databases (gnomAD no frequency). This sequence change creates a premature translational stop signal (p.Ser69Leufs*19) in the HERC1 gene. It is expected to result in an absent or disrupted protein product. Loss-of-function variants in HERC1 are known to be pathogenic (PMID: 26138117, 26153217, 27108999).

Literature cited by the submitters: PubMed 26138117; PubMed 26153217; PubMed 27108999.